The following is an entry in ClinVar:

ClinVar aggregate classification (germline): Uncertain significance. Review status: criteria provided, multiple submitters, no conflicts (2 of 4 stars). 4 submissions from 4 submitters: Uncertain significance (4). Last evaluated 2025-09-12.

Conditions:
Familial melanoma. Also called: Hereditary melanoma; Hereditary cutaneous melanoma. Identifiers: Orphanet 618, MedGen C1512419, MONDO:0018961.
Hereditary cancer-predisposing syndrome. Also called: Neoplastic Syndromes, Hereditary; Tumor predisposition; Hereditary Cancer Syndrome; Hereditary neoplastic syndrome. Identifiers: Orphanet 140162, MedGen C0027672, MeSH D009386, MONDO:0015356.

Allele frequency attached by ClinVar (database versions not stated): gnomAD exomes below 0.00001; ExAC 0.00001.
gnomAD v4.1: 1 of 1,607,834 alleles (0.000062%); highest among the groups gnomAD compares: Admixed American, 0.0017%; no homozygotes.

Submissions (4):

Ambry Genetics
Classification: Uncertain significance for Hereditary cancer-predisposing syndrome. Last evaluated: 2025-09-12. Review status: criteria provided, single submitter. Criteria: Ambry Variant Classification Scheme 2023. Collection method: clinical testing. Allele origin: germline.
Comment: The p.K211T variant (also known as c.632A>C), located in coding exon 4 of the CDK4 gene, results from a A to C substitution at nucleotide position 632. The lysine at codon 211 is replaced by threonine, an amino acid with similar properties. This amino acid position is well conserved in available vertebrate species. In addition, this alteration is predicted to be tolerated by in silico analysis. Based on the available evidence, the clinical significance of this variant remains unclear.

Labcorp Genetics (formerly Invitae), Labcorp
Classification: Uncertain significance for Familial melanoma. Last evaluated: 2024-12-12. Review status: criteria provided, single submitter. Criteria: Invitae Variant Classification Sherloc (09022015). Collection method: clinical testing. Allele origin: germline.
Comment: This sequence change replaces lysine, which is basic and polar, with threonine, which is neutral and polar, at codon 211 of the CDK4 protein (p.Lys211Thr). This variant is present in population databases (rs765656720, gnomAD 0.003%). This variant has not been reported in the literature in individuals affected with CDK4-related conditions. ClinVar contains an entry for this variant (Variation ID: 485496). An algorithm developed to predict the effect of missense changes on protein structure and function (PolyPhen-2) suggests that this variant is likely to be tolerated. Algorithms developed to predict the effect of sequence changes on RNA splicing suggest that this variant may disrupt the consensus splice site. In summary, the available evidence is currently insufficient to determine the role of this variant in disease. Therefore, it has been classified as a Variant of Uncertain Significance.

Quest Diagnostics Nichols Institute San Juan Capistrano
Classification: Uncertain significance. Last evaluated: 2023-02-23. Review status: criteria provided, single submitter. Criteria: Quest Diagnostics criteria. Collection method: clinical testing. Allele origin: unknown.
Comment: The frequency of this variant in the general population, 0.000004 (1/251494 chromosomes), is uninformative in assessment of its pathogenicity. In the published literature, the variant has been reported in an individual with colorectal cancer (PMID: 28640387 (2017)). Analysis of this variant using bioinformatics tools for the prediction of the effect of amino acid changes on protein structure and function yielded predictions that this variant is damaging. Based on the available information, we are unable to determine the clinical significance of this variant.

Women's Health and Genetics/Laboratory Corporation of America, LabCorp
Classification: Uncertain significance. Last evaluated: 2022-05-05. Review status: criteria provided, single submitter. Criteria: LabCorp Variant Classification Summary - May 2015. Collection method: clinical testing. Allele origin: germline.
Comment: Variant summary: CDK4 c.632A>C (p.Lys211Thr) results in a non-conservative amino acid change located in the Protein kinase domain (IPR000719) of the encoded protein sequence. Three of five in-silico tools predict a benign effect of the variant on protein function. 4/4 computational tools predict no significant impact on normal splicing, however, these predictions have yet to be confirmed by functional studies. The variant allele was found at a frequency of 4e-06 in 251494 control chromosomes (gnomAD). The available data on variant occurrences in the general population are insufficient to allow any conclusion about variant significance. To our knowledge, no occurrence of c.632A>C in individuals affected with Cutaneous Malignant Melanoma and no experimental evidence demonstrating its impact on protein function have been reported. Two ClinVar submitters have assessed the variant since 2014: all have classified the variant as of uncertain significance. Based on the evidence outlined above, the variant was classified as uncertain significance.

Literature cited by the submitters: PubMed 28640387 (cited by Quest Diagnostics Nichols Institute San Juan Capistrano).

NM_000075.4(CDK4):c.632A>C (p.Lys211Thr)

Gene: CDK4 (cyclin dependent kinase 4; minus strand). Cytogenetic location: 12q14.1.
Variant type: single nucleotide variant.
Coding change: c.632A>C on transcript NM_000075.4 (MANE Select); coding-DNA position 632, A replaced by C.
Protein change: p.Lys211Thr; replaces lysine 211 with threonine.
Molecular consequence: missense variant.
Genome position (GRCh38, 1-based): chr12:57,750,656, T>G on the plus strand (A>C on the coding strand, the complement: CDK4 is on the minus strand). VCF-style: chr12-57750656-T-G. GRCh37 (hg19) VCF-style: chr12-58144439-T-G.
Other names: short protein forms K211T.
Identifiers: ClinVar variation 485496 (VCV000485496.16), dbSNP rs765656720, ClinGen allele CA6657772.